The following is an entry in ClinVar:

NM_004655.4(AXIN2):c.2177A>G (p.His726Arg)

Gene: AXIN2 (axin 2; minus strand). Cytogenetic location: 17q24.1.
Variant type: single nucleotide variant.
Coding change: c.2177A>G on transcript NM_004655.4 (MANE Select); coding-DNA position 2177, A replaced by G.
Protein change: p.His726Arg; replaces histidine 726 with arginine.
Molecular consequence: missense variant.
Genome position (GRCh38, 1-based): chr17:65,535,686, T>C on the plus strand (A>G on the coding strand, the complement: AXIN2 is on the minus strand). VCF-style: chr17-65535686-T-C. GRCh37 (hg19) VCF-style: chr17-63531804-T-C.
Other names: c.1982A>G, p.His661Arg (NM_001363813.1); short protein forms H661R, H726R.
Identifiers: ClinVar variation 964735 (VCV000964735.9), dbSNP rs2043900433, ClinGen allele CA400675808.
Genomic context (GRCh38, chr17:65,535,686, plus strand): 5'-TCTTCTGGAGCCAGGCTTGGATTGGAGAAGGGTGTGGCTCCCGTCTGAACAGTGGCCGAA[T>C]GATTCCTGTCCCTCTGCTGACTGGCCACACAGCACCTGAGGACACAGCCAGGGCGAGGGA-3'
Protein context (NP_004646.3, residues 716-736): CVASQQRDRN[His726Arg]SATVQTGATP

ClinVar aggregate classification (germline): Uncertain significance (1 of 4 stars; one submission).

Conditions:
Oligodontia-cancer predisposition syndrome. Also called: TOOTH AGENESIS-COLORECTAL CANCER SYNDROME. Identifiers: Orphanet 300576, MedGen C1837750, MONDO:0012075, OMIM 608615. Disease mechanism: loss of function.

Submission:

Labcorp Genetics (formerly Invitae), Labcorp
Classification: Uncertain significance for Oligodontia-cancer predisposition syndrome. Last evaluated: 2019-10-23. Review status: criteria provided, single submitter. Criteria: Invitae Variant Classification Sherloc (09022015). Collection method: clinical testing. Allele origin: germline.
Comment: This variant has not been reported in the literature in individuals with AXIN2-related conditions. This sequence change replaces histidine with arginine at codon 726 of the AXIN2 protein (p.His726Arg). The histidine residue is highly conserved and there is a small physicochemical difference between histidine and arginine. This variant is not present in population databases (ExAC no frequency). Algorithms developed to predict the effect of missense changes on protein structure and function are either unavailable or do not agree on the potential impact of this missense change (SIFT: "Tolerated"; PolyPhen-2: "Possibly Damaging"; Align-GVGD: "Class C0"). In summary, the available evidence is currently insufficient to determine the role of this variant in disease. Therefore, it has been classified as a Variant of Uncertain Significance.